The following is an entry in ClinVar:

ClinVar aggregate classification (germline): Pathogenic (1 of 4 stars; one submission).

Conditions:
Jeune thoracic dystrophy. Also called: Jeune syndrome; Infantile thoracic dystrophy; Thoracic pelvic phalangeal dystrophy; Jeune's syndrome; Chondroectodermal dysplasia-like syndrome; Short-rib thoracic dysplasia. Identifiers: Orphanet 474, MedGen C0265275, MONDO:0018770.

Submission:

Labcorp Genetics (formerly Invitae), Labcorp
Classification: Pathogenic for Jeune thoracic dystrophy. Last evaluated: 2022-03-02. Review status: criteria provided, single submitter. Criteria: Invitae Variant Classification Sherloc (09022015). Collection method: clinical testing. Allele origin: germline.
Comment: Algorithms developed to predict the effect of sequence changes on RNA splicing suggest that this variant may disrupt the consensus splice site. This variant has not been reported in the literature in individuals affected with IFT80-related conditions. This variant is not present in population databases (gnomAD no frequency). This sequence change inserts a large fragment of DNA, likely a transposable element, in exon 3 of the IFT80 gene (c.225_226ins?), causing a frameshift at codon 76 (p.Gln76fs). The exact size and sequence of the insertion cannot be determined by the current assay. However, the insertion is expected to result in an absent or disrupted protein product. Retrotransposon insertions including LINE1 (L1), Alu, and SVA (SINE-VNTR-Alu) have been reported to be disease-causing through disruption of either a coding region or splice site (PMID: 19763152, 20307669, 22406018) and loss-of-function variants in IFT80 are known to be pathogenic (PMID: 21227999, 23339108, 29068549). For these reasons, this variant has been classified as Pathogenic.

Literature cited by the submitters: PubMed 19763152; PubMed 20307669; PubMed 22406018; PubMed 21227999; PubMed 23339108; PubMed 29068549.

NM_020800.3(IFT80):c.225_226insGGCCGGGCGCGGTGGCTCACGCCTGTAATCCCAGCACTTTGGGAGGCCGAGGCGGGCGGATCACGAGGTCAGNNNNNNNNNNAAAAAAAAAAAAAAAAAAAAAAAGAAACAAACC (p.Gln76fs)

Genes: IFT80 (intraflagellar transport 80; minus strand), TRIM59-IFT80 (TRIM59-IFT80 readthrough (NMD candidate); minus strand). Cytogenetic location: 3q25.33.
Variant type: Insertion.
Coding change: c.225_226insGGCCGGGCGCGGTGGCTCACGCCTGTAATCCCAGCACTTTGGGAGGCCGAGGCGGGCGGATCACGAGGTCAGNNNNNNNNNNAAAAAAAAAAAAAAAAAAAAAAAGAAACAAACC on transcript NM_020800.3 (MANE Select); coding-DNA positions 225 to 226, GGCCGGGCGCGGTGGCTCACGCCTGTAATCCCAGCACTTTGGGAGGCCGAGGCGGGCGGATCACGAGGTCAGNNNNNNNNNNAAAAAAAAAAAAAAAAAAAAAAAGAAACAAACC inserted.
Protein change: p.Gln76fs; shifts the reading frame from glutamine 76.
Molecular consequence: frameshift variant. On other transcripts: non-coding transcript variant (2), 5 prime UTR variant (2).
Genome position: GRCh38: chr3:160,381,549-160,381,550. GRCh37 (hg19): chr3:160,099,337-160,099,338.
Other names: c.-187_-186insGGCCGGGCGCGGTGGCTCACGCCTGTAATCCCAGCACTTTGGGAGGCCGAGGCGGGCGGATCACGAGGTCAGNNNNNNNNNNAAAAAAAAAAAAAAAAAAAAAAAGAAACAAACC (NM_001190241.2, NM_001190242.2); short protein forms Q76fs.
Identifiers: ClinVar variation 1442026 (VCV001442026.6), dbSNP rs2108404264.